The following is an entry in ClinVar:

ClinVar aggregate classification (germline): Likely benign. Review status: criteria provided, multiple submitters, no conflicts (2 of 4 stars). 2 submissions from 2 submitters: Likely benign (2). Last evaluated 2026-02-18.

Conditions:
Epidermolysis bullosa simplex 5B, with muscular dystrophy (EBS5B). Also called: Epidermolysis bullosa simplex with muscular dystrophy; EPIDERMOLYSIS BULLOSA SIMPLEX AND LIMB-GIRDLE MUSCULAR DYSTROPHY. Identifiers: Orphanet 257, MedGen C2931072, MONDO:0009181, OMIM 226670.
Epidermolysis bullosa simplex with nail dystrophy (EBS5D). Identifiers: MedGen C4225309, MONDO:0014661, OMIM 616487.
Autosomal recessive limb-girdle muscular dystrophy type 2Q (LGMDR17). Also called: MUSCULAR DYSTROPHY, LIMB-GIRDLE, AUTOSOMAL RECESSIVE 17. Identifiers: Orphanet 254361, MedGen C3150989, MONDO:0013390, OMIM 613723.
Epidermolysis bullosa simplex 5C, with pyloric atresia (EBS5C). Also called: PLEC-Related Epidermolysis Bullosa with Pyloric Atresia; Epidermolysis bullosa simplex with pyloric atresia; PLEC1-Related Epidermolysis Bullosa with Pyloric Atresia. Identifiers: Orphanet 158684, MedGen C2677349, MONDO:0012807, OMIM 612138.
Epidermolysis bullosa simplex, Ogna type (EBS5A). Also called: Pidermolysis bullosa simplex 5A, Ogna type; EPIDERMOLYSIS BULLOSA SIMPLEX 5A, OGNA TYPE. Identifiers: Orphanet 79401, MedGen C0432317, MONDO:0007555, OMIM 131950.
PLEC-related disorder. Also called: PLEC-related disorders; PLEC-related condition.

Allele frequency attached by ClinVar (database versions not stated): TOPMed below 0.00001; ExAC 0.00001; gnomAD 0.00001; gnomAD exomes 0.00001 and 0.00002.
gnomAD v4.1: 15 of 1,605,248 alleles (0.00093%); highest among the groups gnomAD compares: Admixed American, 0.005%; no homozygotes.

Submissions (2):

PreventionGenetics, part of Exact Sciences
Classification: Likely benign for PLEC-related condition. Last evaluated: 2026-02-18. Review status: criteria provided, single submitter. Criteria: ACMG Guidelines, 2015. Collection method: clinical testing. Allele origin: germline.
Comment: This variant is classified as likely benign based on ACMG/AMP sequence variant interpretation guidelines (Richards et al. 2015 PMID: 25741868, with internal and published modifications).

Labcorp Genetics (formerly Invitae), Labcorp
Classification: Likely benign for Autosomal recessive limb-girdle muscular dystrophy type 2Q; Epidermolysis bullosa simplex, Ogna type; Epidermolysis bullosa simplex with nail dystrophy; Epidermolysis bullosa simplex 5C, with pyloric atresia; Epidermolysis bullosa simplex 5B, with muscular dystrophy. Last evaluated: 2024-10-03. Review status: criteria provided, single submitter. Criteria: Invitae Variant Classification Sherloc (09022015). Collection method: clinical testing. Allele origin: germline.

NM_201384.3(PLEC):c.9072C>T (p.Asn3024=)

Gene: PLEC (plectin; minus strand). Cytogenetic location: 8q24.3.
Variant type: single nucleotide variant.
Coding change: c.9072C>T on transcript NM_201384.3 (MANE Select); coding-DNA position 9072, C replaced by T.
Protein change: p.Asn3024=; no amino-acid change (asparagine 3024 retained).
Molecular consequence: synonymous variant.
Genome position (GRCh38, 1-based): chr8:143,920,749, G>A on the plus strand (C>T on the coding strand, the complement: PLEC is on the minus strand). VCF-style: chr8-143920749-G-A. GRCh37 (hg19) VCF-style: chr8-144994917-G-A.
Other names: c.9153C>T, p.Asn3051= (NM_000445.5); c.9030C>T, p.Asn3010= (NM_201378.4); c.9006C>T, p.Asn3002= (NM_201379.3); c.9483C>T, p.Asn3161= (NM_201380.4); c.8976C>T, p.Asn2992= (NM_201381.3); c.9072C>T, p.Asn3024= (NM_201382.4); c.9084C>T, p.Asn3028= (NM_201383.3).
Identifiers: ClinVar variation 752819 (VCV000752819.9), dbSNP rs782478386, ClinGen allele CA4925086.